The following is an entry in ClinVar:

ClinVar aggregate classification (germline): Uncertain significance (1 of 4 stars; one submission).

Conditions:
Autosomal dominant hypocalcemia 1 (HYPOC1). Also called: HYPOCALCEMIA, FAMILIAL. Identifiers: MedGen C3715128, MONDO:0011013, OMIM 601198.
Familial hypocalciuric hypercalcemia (FHH). Also called: Familial benign hypercalcemia. Identifiers: Orphanet 405, MedGen C1809471, MONDO:0018458.

gnomAD v4.1: 2 of 1,614,082 alleles (0.00012%); highest among the groups gnomAD compares: Non-Finnish European, 0.00017%; no homozygotes.

Submission:

Labcorp Genetics (formerly Invitae), Labcorp
Classification: Uncertain significance for Familial hypocalciuric hypercalcemia; Autosomal dominant hypocalcemia 1. Last evaluated: 2022-07-25. Review status: criteria provided, single submitter. Criteria: Invitae Variant Classification Sherloc (09022015). Collection method: clinical testing. Allele origin: germline.
Comment: This variant is not present in population databases (gnomAD no frequency). This sequence change replaces valine, which is neutral and non-polar, with leucine, which is neutral and non-polar, at codon 504 of the CASR protein (p.Val504Leu). This variant has not been reported in the literature in individuals affected with CASR-related conditions. In summary, the available evidence is currently insufficient to determine the role of this variant in disease. Therefore, it has been classified as a Variant of Uncertain Significance. Algorithms developed to predict the effect of missense changes on protein structure and function are either unavailable or do not agree on the potential impact of this missense change (SIFT: "Deleterious"; PolyPhen-2: "Benign"; Align-GVGD: "Class C25"). ClinVar contains an entry for this variant (Variation ID: 639212).

NM_000388.4(CASR):c.1510G>C (p.Val504Leu)

Gene: CASR (calcium sensing receptor; plus strand). Cytogenetic location: 3q21.1.
Variant type: single nucleotide variant.
Coding change: c.1510G>C on transcript NM_000388.4 (MANE Select); coding-DNA position 1510, G replaced by C.
Protein change: p.Val504Leu; replaces valine 504 with leucine.
Molecular consequence: missense variant.
Genome position (GRCh38, 1-based): chr3:122,275,944, G>C. VCF-style: chr3-122275944-G-C. GRCh37 (hg19) VCF-style: chr3-121994791-G-C.
Other names: c.1510G>C, p.Val504Leu (NM_001178065.2); short protein forms V504L.
Identifiers: ClinVar variation 639212 (VCV000639212.9), dbSNP rs201536450, ClinGen allele CA354155253.